The following is an entry in ClinVar:

ClinVar aggregate classification (germline): Uncertain significance (1 of 4 stars; one submission).

Conditions:
VPS13B-related disorder. Also called: VPS13B-related condition.

gnomAD v4.1: 1 of 1,613,348 alleles (0.000062%); highest among the groups gnomAD compares: Non-Finnish European, 0.000085%; no homozygotes.

Submission:

PreventionGenetics, part of Exact Sciences
Classification: Uncertain significance for VPS13B-related condition. Last evaluated: 2026-02-10. Review status: criteria provided, single submitter. Criteria: ACMG Guidelines, 2015. Collection method: clinical testing. Allele origin: germline.
Comment: The VPS13B c.3145C>A variant is predicted to result in the amino acid substitution p.Pro1049Thr. To our knowledge, this variant has not been reported in the literature. This variant is reported in 0.00088% of alleles in individuals of European (Non-Finnish) descent in gnomAD. At this time, the clinical significance of this variant is uncertain due to the absence of conclusive functional and genetic evidence.

NM_152564.5(VPS13B):c.3145C>A (p.Pro1049Thr)

Gene: VPS13B (vacuolar protein sorting 13 homolog B; plus strand). Cytogenetic location: 8q22.2.
Variant type: single nucleotide variant.
Coding change: c.3145C>A on transcript NM_152564.5 (MANE Select); coding-DNA position 3145, C replaced by A.
Protein change: p.Pro1049Thr; replaces proline 1049 with threonine.
Molecular consequence: missense variant.
Genome position (GRCh38, 1-based): chr8:99,431,599, C>A. VCF-style: chr8-99431599-C-A. GRCh37 (hg19) VCF-style: chr8-100443827-C-A.
Other names: c.3145C>A, p.Pro1049Thr (NM_017890.5); short protein forms P1049T.
Identifiers: ClinVar variation 4993036 (VCV004993036.1).